The following is an entry in ClinVar:

ClinVar aggregate classification (germline): Pathogenic (1 of 4 stars; one submission).

Conditions:
Primary ciliary dyskinesia. Also called: Ciliary dyskinesia. Identifiers: Orphanet 244, MedGen C0008780, MONDO:0016575, HP:0012265.

Submission:

Labcorp Genetics (formerly Invitae), Labcorp
Classification: Pathogenic for Primary ciliary dyskinesia. Last evaluated: 2025-05-05. Review status: criteria provided, single submitter. Criteria: Invitae Variant Classification Sherloc (09022015). Collection method: clinical testing. Allele origin: germline.
Comment: This sequence change creates a premature translational stop signal (p.Glu416Argfs*11) in the RPGR gene. It is expected to result in an absent or disrupted protein product. Loss-of-function variants in RPGR are known to be pathogenic (PMID: 16055928, 16969763). This variant is not present in population databases (gnomAD no frequency). This variant has not been reported in the literature in individuals affected with RPGR-related conditions. Algorithms developed to predict the effect of sequence changes on RNA splicing suggest that this variant may disrupt the consensus splice site. For these reasons, this variant has been classified as Pathogenic.

Literature cited by the submitters: PubMed 16055928; PubMed 16969763.

NM_001034853.2(RPGR):c.1241_1245dup (p.Glu416fs)

Gene: RPGR (retinitis pigmentosa GTPase regulator; minus strand). Cytogenetic location: Xp11.4.
Variant type: Duplication.
Coding change: c.1241_1245dup on transcript NM_001034853.2 (MANE Select); coding-DNA positions 1241 to 1245, 5 bases duplicated (AGAGG; older notation c.1241_1245dupAGAGG).
Protein change: p.Glu416fs; shifts the reading frame from glutamic acid 416.
Molecular consequence: frameshift variant. On other transcripts: non-coding transcript variant (6), intron variant (2).
Genome position (GRCh38, 1-based): chrX:38,298,956-38,298,960, CCTCT duplicated on the plus strand (AGAGG on the coding strand, the reverse complement: RPGR is on the minus strand); duplicating any 5 consecutive bases within chrX:38,298,956-38,298,961 gives the same sequence; the c. name uses the placement nearest the transcript's 3' end. VCF-style (leftmost placement, unchanged base first): chrX-38298955-C-CCCTCT. GRCh37 (hg19) VCF-style: chrX-38158208-C-CCCTCT.
Other names: c.1241_1245dup, p.Glu416fs (NM_000328.3, NM_001367247.1); c.1238_1242dup, p.Glu415fs (NM_001367245.1, NM_001367249.1, NM_001367250.1); c.1271_1275dup, p.Glu426fs (NM_001367248.1); c.1060-1508_1060-1504dup (NM_001367251.1, NM_001367246.1); short protein forms E426fs, E415fs, E416fs.
Identifiers: ClinVar variation 4705286 (VCV004705286.1).
Genomic context (GRCh38, chrX:38,298,955, plus strand): 5'-TCTTCTAGTTTTCTTTGCAGTGCTAGATAATACTATTATACAGAATAGGCCACAATTGTA[C>CCCTCT]CCTCTCTCTTCGCCGCATACGTGCTGATAGAGTCCTCTGCAGTACATTTCCTGAGGTTAA-3'